The following is an entry in ClinVar:

ClinVar aggregate classification (germline): Conflicting classifications of pathogenicity. Review status: criteria provided, conflicting classifications (1 of 4 stars). 3 submissions from 3 submitters: Pathogenic (1); Likely pathogenic (1); Uncertain significance (1). Last evaluated 2025-08-20.

Conditions:
Long QT syndrome (LQTS). Identifiers: MedGen C0023976, MeSH D008133, MONDO:0002442. Disease mechanism: loss of function. Inheritance: Various modes of inheritance.
Cardiovascular phenotype. Identifiers: MedGen CN230736.

Submissions (3):

Labcorp Genetics (formerly Invitae), Labcorp
Classification: Pathogenic for Long QT syndrome. Last evaluated: 2025-08-20. Review status: criteria provided, single submitter. Criteria: Invitae Variant Classification Sherloc (09022015). Collection method: clinical testing. Allele origin: germline.
Comment: This variant, c.850_852del, results in the deletion of 1 amino acid(s) of the KCNQ1 protein (p.Glu284del), but otherwise preserves the integrity of the reading frame. This variant is not present in population databases (gnomAD no frequency). This variant has not been reported in the literature in individuals affected with KCNQ1-related conditions. ClinVar contains an entry for this variant (Variation ID: 423306). This variant disrupts a region of the KCNQ1 protein in which other variant(s) (p.Glu284Lys) have been determined to be pathogenic (PMID: 14678125, 17470695; internal data). This suggests that this is a clinically significant region of the protein, and that variants that disrupt it are likely to be disease-causing. For these reasons, this variant has been classified as Pathogenic.

Ambry Genetics
Classification: Uncertain significance for Cardiovascular phenotype. Last evaluated: 2019-11-07. Review status: criteria provided, single submitter. Criteria: Ambry Variant Classification Scheme 2023. Collection method: clinical testing. Allele origin: germline.
Comment: The c.850_852delGAG variant (also known as p.E284del) is located in coding exon 6 of the KCNQ1 gene. This variant results from an in-frame GAG deletion at nucleotide positions 850 to 852. This results in the in-frame deletion of a glutamic acid at codon 284, and is located in the transmembrane-spanning S5/pore domain. This amino acid position is highly conserved in available vertebrate species. In addition, this alteration is predicted to be deleterious by in silico analysis (Choi Y et al. PLoS ONE. 2012; 7(10):e46688). Since supporting evidence is limited at this time, the clinical significance of this alteration remains unclear.

GeneDx
Classification: Likely pathogenic. Last evaluated: 2017-02-15. Review status: criteria provided, single submitter. Criteria: GeneDx Variant Classification (06012015). Collection method: clinical testing. Allele origin: germline. Affected: yes.
Comment: An in-frame deletion that is likely pathogenic was identified in the KCNQ1 gene. The c.850_852delGAG variant has not been published as pathogenic nor been reported as benign to our knowledge. c.850_852delGAG results in an in-frame deletion of a glutamic acid residue at position 284, denoted p.Glu284del. Multiple in-frame deletions in the KCNQ1 gene, as well as a pathogenic missense variant in this residue (E284K), have been reported in HGMD in association with LQTS (Stenson et al., 2014). Furthermore, the c.850_852delGAG variant is not observed in large population cohorts (Lek et al., 2016; 1000 Genomes Consortium et al., 2015; Exome Variant Server). In summary, c.850_852delGAG in the KCNQ1 gene is interpreted as a likely pathogenic variant.

Literature cited by the submitters: PubMed 14678125 (cited by Labcorp Genetics (formerly Invitae), Labcorp); PubMed 17470695 (cited by Labcorp Genetics (formerly Invitae), Labcorp).

NM_000218.3(KCNQ1):c.850_852del (p.Glu284del)

Gene: KCNQ1 (potassium voltage-gated channel subfamily Q member 1; plus strand). Cytogenetic location: 11p15.5.
Variant type: Deletion.
Coding change: c.850_852del on transcript NM_000218.3 (MANE Select); coding-DNA positions 850 to 852, 3 bases deleted (GAG; older notation c.850_852delGAG).
Protein change: p.Glu284del; deletes glutamic acid 284.
Molecular consequence: inframe deletion. On other transcripts: inframe indel (4).
Genome position (GRCh38, 1-based): chr11:2,572,915-2,572,917, GAG deleted. VCF-style (leftmost placement, unchanged base first): chr11-2572914-TGAG-T. GRCh37 (hg19) VCF-style: chr11-2594144-TGAG-T.
Other names: c.850_852delGAG, p.Glu284del (NM_000218.2, NM_001406836.1); c.580_582delGAG, p.Glu194del (NM_001406837.1); c.469_471delGAG, p.Glu157del (NM_181798.2); short protein forms E157del, E284del, E194del.
Identifiers: ClinVar variation 423306 (VCV000423306.15), dbSNP rs1064796353, ClinGen allele CA16619310.